The following is an entry in ClinVar:

ClinVar aggregate classification (germline): Uncertain significance. Review status: criteria provided, multiple submitters, no conflicts (2 of 4 stars). 3 submissions from 3 submitters: Uncertain significance (3). Last evaluated 2025-07-21.

Conditions:
Hereditary cancer-predisposing syndrome. Also called: Tumor predisposition; Neoplastic Syndromes, Hereditary; Hereditary Cancer Syndrome; Hereditary neoplastic syndrome. Identifiers: Orphanet 140162, MedGen C0027672, MeSH D009386, MONDO:0015356.
Ataxia-telangiectasia syndrome (AT). Also called: Ataxia-telangiectasia; Cerebello-oculocutaneous telangiectasia; Immunodeficiency with ataxia telangiectasia; ATAXIA-TELANGIECTASIA, COMPLEMENTATION GROUP A; ATAXIA-TELANGIECTASIA, FRESNO VARIANT; Ataxia-telangiectasia, complementation group D. Identifiers: Orphanet 100, MedGen C0004135, MONDO:0008840, OMIM 208900.

Allele frequency attached by ClinVar (database versions not stated): gnomAD exomes below 0.00001.
gnomAD v4.1: 3 of 1,613,728 alleles (0.00019%); highest among the groups gnomAD compares: Non-Finnish European, 0.00017%; no homozygotes.

Submissions (3):

Labcorp Genetics (formerly Invitae), Labcorp
Classification: Uncertain significance for Ataxia-telangiectasia syndrome. Last evaluated: 2025-07-21. Review status: criteria provided, single submitter. Criteria: Invitae Variant Classification Sherloc (09022015). Collection method: clinical testing. Allele origin: germline.
Comment: This sequence change replaces serine, which is neutral and polar, with proline, which is neutral and non-polar, at codon 1731 of the ATM protein (p.Ser1731Pro). This variant is not present in population databases (gnomAD no frequency). This variant has not been reported in the literature in individuals affected with ATM-related conditions. ClinVar contains an entry for this variant (Variation ID: 418034). Invitae Evidence Modeling of protein sequence and biophysical properties (such as structural, functional, and spatial information, amino acid conservation, physicochemical variation, residue mobility, and thermodynamic stability) indicates that this missense variant is not expected to disrupt ATM protein function with a negative predictive value of 95%. In summary, the available evidence is currently insufficient to determine the role of this variant in disease. Therefore, it has been classified as a Variant of Uncertain Significance.

Ambry Genetics
Classification: Uncertain significance for Hereditary cancer-predisposing syndrome. Last evaluated: 2015-07-13. Review status: criteria provided, single submitter. Criteria: Ambry Variant Classification Scheme 2023. Collection method: clinical testing. Allele origin: germline.
Comment: The p.S1731P variant (also known as c.5191T>C), located in coding exon 34 of the ATM gene, results from a T to C substitution at nucleotide position 5191. The serine at codon 1731 is replaced by proline, an amino acid with similar properties. This variant was not reported in population based cohorts in the following databases: Database of Single Nucleotide Polymorphisms (dbSNP), NHLBI Exome Sequencing Project (ESP), and 1000 Genomes Project. In the ESP, this variant was not observed in 6499 samples (12998 alleles) with coverage at this position. To date, this alteration has been detected with an allele frequency of approximately 0.002% (greater than 66000 alleles tested) in our clinical cohort. This amino acid position is not well conserved in available vertebrate species. In addition, the in silico prediction for this alteration is inconclusive. Since supporting evidence is limited at this time, the clinical significance of p.S1731P remains unclear.

GeneDx
Classification: Uncertain significance. Last evaluated: 2014-12-09. Review status: criteria provided, single submitter. Criteria: GeneDx Variant Classification (06012015). Collection method: clinical testing. Allele origin: germline. Affected: yes.
Comment: This variant is denoted ATM c.5191T>C at the cDNA level, p.Ser1731Pro (S1731P) at the protein level, and results in the change of a Serine to a Proline (TCA>CCA). This variant has not, to our knowledge, been published in the literature as pathogenic or benign. ATM Ser1731Pro was not observed in approximately 6,500 individuals of European and African American ancestry in the NHLBI Exome Sequencing Project, indicating it is not a common benign variant in these populations. Since Serine and Proline differ in polarity, charge, size or other properties, this is considered a non-conservative amino acid substitution. ATM Ser1731Pro occurs at a position that is well conserved across species and is not located in a known functional domain (UniProt). In silico analyses are inconsistent regarding the effect this variant may have on protein structure and function. Based on currently available information, it is unclear whether ATM Ser1731Pro is pathogenic or benign. We consider it to be a variant of uncertain significance.

NM_000051.4(ATM):c.5191T>C (p.Ser1731Pro)

Gene: ATM (ATM serine/threonine kinase; plus strand). Cytogenetic location: 11q22.3.
Variant type: single nucleotide variant.
Coding change: c.5191T>C on transcript NM_000051.4 (MANE Select); coding-DNA position 5191, T replaced by C.
Protein change: p.Ser1731Pro; replaces serine 1731 with proline.
Molecular consequence: missense variant.
Genome position (GRCh38, 1-based): chr11:108,301,661, T>C. VCF-style: chr11-108301661-T-C. GRCh37 (hg19) VCF-style: chr11-108172388-T-C.
Other names: c.5191T>C, p.Ser1731Pro (NM_001351834.2); short protein forms S1731P.
Identifiers: ClinVar variation 418034 (VCV000418034.12), dbSNP rs1064793038, ClinGen allele CA16619195.
Genomic context (GRCh38, chr11:108,301,661, plus strand): 5'-GATTAATAACTGGTGTACTTGATAGGCATTTGAATTGTTTTTTTCAGTGTCAAAGTTCGA[T>C]CAGCAGCTGTTACCTGTTTGAAAAACATTTTAGCCACAAAGACTGGACATAGTTTCTGGG-3'
Protein context (NP_000042.3, residues 1721-1741): TLVEDCVKVR[Ser1731Pro]AAVTCLKNIL